The following is an entry in ClinVar:

NM_001080517.3(SETD5):c.3959A>G (p.Tyr1320Cys)

Gene: SETD5 (SET domain containing 5; plus strand). Cytogenetic location: 3p25.3.
Variant type: single nucleotide variant.
Coding change: c.3959A>G on transcript NM_001080517.3 (MANE Select); coding-DNA position 3959, A replaced by G.
Protein change: p.Tyr1320Cys; replaces tyrosine 1320 with cysteine.
Molecular consequence: missense variant.
Genome position (GRCh38, 1-based): chr3:9,475,721, A>G. VCF-style: chr3-9475721-A-G. GRCh37 (hg19) VCF-style: chr3-9517405-A-G.
Other names: c.3665A>G, p.Tyr1222Cys (NM_001292043.2, NM_001349451.2); short protein forms Y1320C, Y1222C.
Identifiers: ClinVar variation 1523969 (VCV001523969.8), dbSNP rs778560598, ClinGen allele CA2239842.
Genomic context (GRCh38, chr3:9,475,721, plus strand): 5'-CCAGCCCCGCCCACCCTGTGTCCACAGACTCGTTGGCCCCATTTACGGGGACACCAGGGT[A>G]TTTTAGCAGCCAGCCACATTCTGGAAACAGCACTGGCAGCAATCTTCCAAGGAGGAGCTG-3'
Protein context (NP_001073986.1, residues 1310-1330): SLAPFTGTPG[Tyr1320Cys]FSSQPHSGNS

ClinVar aggregate classification (germline): Uncertain significance (1 of 4 stars; one submission).

Allele frequency attached by ClinVar (database versions not stated): gnomAD exomes below 0.00001; ExAC 0.00001.
gnomAD v4.1: 1 of 1,613,922 alleles (0.000062%); highest among the groups gnomAD compares: East Asian, 0.0022%; no homozygotes.

Submission:

Labcorp Genetics (formerly Invitae), Labcorp
Classification: Uncertain significance. Last evaluated: 2020-11-03. Review status: criteria provided, single submitter. Criteria: Invitae Variant Classification Sherloc (09022015). Collection method: clinical testing. Allele origin: germline.
Comment: In summary, the available evidence is currently insufficient to determine the role of this variant in disease. Therefore, it has been classified as a Variant of Uncertain Significance. This sequence change replaces tyrosine with cysteine at codon 1320 of the SETD5 protein (p.Tyr1320Cys). The tyrosine residue is moderately conserved and there is a large physicochemical difference between tyrosine and cysteine. This variant is present in population databases (rs778560598, ExAC 0.01%). This variant has not been reported in the literature in individuals with SETD5-related conditions. Algorithms developed to predict the effect of missense changes on protein structure and function are either unavailable or do not agree on the potential impact of this missense change (SIFT: "Deleterious"; PolyPhen-2: "Benign"; Align-GVGD: "Class C0").